The following is an entry in ClinVar:

ClinVar aggregate classification (germline): Uncertain significance (1 of 4 stars; one submission).

Conditions:
Oligodontia-cancer predisposition syndrome. Also called: TOOTH AGENESIS-COLORECTAL CANCER SYNDROME. Identifiers: Orphanet 300576, MedGen C1837750, MONDO:0012075, OMIM 608615. Disease mechanism: loss of function.

Submission:

Labcorp Genetics (formerly Invitae), Labcorp
Classification: Uncertain significance for Oligodontia-cancer predisposition syndrome. Last evaluated: 2022-10-13. Review status: criteria provided, single submitter. Criteria: Invitae Variant Classification Sherloc (09022015). Collection method: clinical testing. Allele origin: germline.
Comment: In summary, the available evidence is currently insufficient to determine the role of this variant in disease. Therefore, it has been classified as a Variant of Uncertain Significance. Advanced modeling of protein sequence and biophysical properties (such as structural, functional, and spatial information, amino acid conservation, physicochemical variation, residue mobility, and thermodynamic stability) performed at Invitae indicates that this missense variant is not expected to disrupt AXIN2 protein function. This variant has not been reported in the literature in individuals affected with AXIN2-related conditions. This variant is not present in population databases (gnomAD no frequency). This sequence change replaces glutamine, which is neutral and polar, with histidine, which is basic and polar, at codon 346 of the AXIN2 protein (p.Gln346His).

NM_004655.4(AXIN2):c.1038A>T (p.Gln346His)

Gene: AXIN2 (axin 2; minus strand). Cytogenetic location: 17q24.1.
Variant type: single nucleotide variant.
Coding change: c.1038A>T on transcript NM_004655.4 (MANE Select); coding-DNA position 1038, A replaced by T.
Protein change: p.Gln346His; replaces glutamine 346 with histidine.
Molecular consequence: missense variant.
Genome position (GRCh38, 1-based): chr17:65,541,476, T>A on the plus strand (A>T on the coding strand, the complement: AXIN2 is on the minus strand). VCF-style: chr17-65541476-T-A. GRCh37 (hg19) VCF-style: chr17-63537594-T-A.
Other names: c.1038A>T, p.Gln346His (NM_001363813.1); short protein forms Q346H.
Identifiers: ClinVar variation 1721542 (VCV001721542.5), dbSNP rs2544196251, ClinGen allele CA400679145.
Genomic context (GRCh38, chr17:65,541,476, plus strand): 5'-GCAGAAAACAGCTGTCTCCTCACTCCAGACTGTACTCACCGGGAAATGAGGTAGAGACAC[T>A]TGGCCATTGGCCTTCACACTGCGATGCATTTCTCTCTGGAGCTGTTTCTTACTGCCCACA-3'
Protein context (NP_004646.3, residues 336-356): EMHRSVKANG[Gln346His]VSLPHFPRTH